The following is an entry in ClinVar:

ClinVar aggregate classification (germline): Uncertain significance. Review status: criteria provided, multiple submitters, no conflicts (2 of 4 stars). 2 submissions from 2 submitters: Uncertain significance (2). Last evaluated 2026-06-15.

Conditions:
Ehlers-Danlos syndrome, classic type, 1 (EDSCL1). Also called: Ehlers-Danlos syndrome, type 1; EHLERS-DANLOS SYNDROME, GRAVIS TYPE; EHLERS-DANLOS SYNDROME, SEVERE CLASSIC TYPE; Ehlers-Danlos Syndrome, Classic Type, COL5A1-Related; EDS I. Identifiers: MedGen C0268335, MONDO:0019567, OMIM 130000.

Allele frequency attached by ClinVar (database versions not stated): TOPMed below 0.00001; gnomAD 0.00001; gnomAD exomes below 0.00001.

Submissions (2):

Women's Health and Genetics/Laboratory Corporation of America, LabCorp
Classification: Uncertain significance. Last evaluated: 2026-06-15. Review status: criteria provided, single submitter. Criteria: LabCorp Variant Classification Summary - May 2015. Collection method: clinical testing. Allele origin: germline.
Comment: Variant summary: COL5A1 c.4201G>A (p.Glu1401Lys) results in a conservative amino acid change in the encoded protein sequence. Algorithms developed to predict the effect of missense changes on protein structure and function are either unavailable or do not agree on the potential impact of this missense change. The frequency data for this variant in gnomAD is considered unreliable, as metrics indicate poor data quality at this position. c.4201G>A has been observed in the heterozygous state in at least 1 individual(s) affected with COL5A1-related conditions (internal data). These data do not allow any conclusion about variant significance. To our knowledge, no experimental evidence demonstrating an impact on protein function has been reported. ClinVar contains an entry for this variant (Variation ID: 1063639). Based on the evidence outlined above, the variant was classified as uncertain significance.

Labcorp Genetics (formerly Invitae), Labcorp
Classification: Uncertain significance for Ehlers-Danlos syndrome, classic type, 1. Last evaluated: 2025-12-03. Review status: criteria provided, single submitter. Criteria: Invitae Variant Classification Sherloc (09022015). Collection method: clinical testing. Allele origin: germline.
Comment: This sequence change replaces glutamic acid, which is acidic and polar, with lysine, which is basic and polar, at codon 1401 of the COL5A1 protein (p.Glu1401Lys). This variant is not present in population databases (gnomAD no frequency). This missense change has been observed in individual(s) with clinical features of COL5A1-related conditions (internal data). ClinVar contains an entry for this variant (Variation ID: 1063639). Invitae Evidence Modeling of protein sequence and biophysical properties (such as structural, functional, and spatial information, amino acid conservation, physicochemical variation, residue mobility, and thermodynamic stability) has been performed for this missense variant. However, the output from this modeling did not meet the statistical confidence thresholds required to predict the impact of this variant on COL5A1 protein function. In summary, the available evidence is currently insufficient to determine the role of this variant in disease. Therefore, it has been classified as a Variant of Uncertain Significance.

NM_000093.5(COL5A1):c.4201G>A (p.Glu1401Lys)

Gene: COL5A1 (collagen type V alpha 1 chain; plus strand). Cytogenetic location: 9q34.3.
Variant type: single nucleotide variant.
Coding change: c.4201G>A on transcript NM_000093.5 (MANE Select); coding-DNA position 4201, G replaced by A.
Protein change: p.Glu1401Lys; replaces glutamic acid 1401 with lysine.
Molecular consequence: missense variant.
Genome position (GRCh38, 1-based): chr9:134,817,802, G>A. VCF-style: chr9-134817802-G-A. GRCh37 (hg19) VCF-style: chr9-137709648-G-A.
Other names: c.4201G>A, p.Glu1401Lys (NM_001278074.1); short protein forms E1401K.
Identifiers: ClinVar variation 1063639 (VCV001063639.10), dbSNP rs1370262542, ClinGen allele CA375456828.